The following is an entry in ClinVar:

NM_006282.5(STK4):c.1148-7444C>T

Gene: STK4 (serine/threonine kinase 4; plus strand). Cytogenetic location: 20q13.12.
Variant type: single nucleotide variant.
Coding change: c.1148-7444C>T on transcript NM_006282.5 (MANE Select); 7444 bases into the intron before coding-DNA position 1148, C replaced by T.
Molecular consequence: intron variant.
Genome position (GRCh38, 1-based): chr20:45,017,529, C>T. VCF-style: chr20-45017529-C-T. GRCh37 (hg19) VCF-style: chr20-43646170-C-T.
Other names: c.1148-7444C>T (NM_001352385.2).
Identifiers: ClinVar variation 2688129 (VCV002688129.2), dbSNP rs2299975, ClinGen allele CA15964716.
Genomic context (GRCh38, chr20:45,017,529, plus strand): 5'-ATGTTACAGGCAGGTGCAAAGTCAGAAAGGTAGAAATGTGTTTTCATTATTCAGGTTGGC[C>T]GAAGCAGATGTGGGTGTTGACTGGATTTTGGAAGACTTTGAATTTGAAAGTAAGGAGTTT-3'

ClinVar aggregate classification (germline): Benign (1 of 4 stars; one submission).

Allele frequency attached by ClinVar (database versions not stated): 1000 Genomes Project 0.44609; 1000 Genomes Project 30x 0.45628; TOPMed 0.49093.
gnomAD v4.1: 76,583 of 151,914 alleles (50%); highest among the groups gnomAD compares: African/African-American, 62%; 20,091 homozygotes.

Submission:

Unidad de Genómica Garrahan, Hospital de Pediatría Garrahan
Classification: Benign. Last evaluated: 2024-01-24. Review status: criteria provided, single submitter. Criteria: ACMG Guidelines, 2015. Collection method: clinical testing. Allele origin: germline. Affected: no. Observed: 46 variant alleles.
Comment: This variant is classified as Benign based on local population frequency. This variant was detected in 48% of patients studied by a panel of primary immunodeficiencies. Number of patients: 46. Only high quality variants are reported.